The following is an entry in ClinVar:

NM_000243.3(MEFV):c.629C>G (p.Ala210Gly)

Gene: MEFV (MEFV innate immunity regulator, pyrin; minus strand). Cytogenetic location: 16p13.3.
Variant type: single nucleotide variant.
Coding change: c.629C>G on transcript NM_000243.3 (MANE Select); coding-DNA position 629, C replaced by G.
Protein change: p.Ala210Gly; replaces alanine 210 with glycine.
Molecular consequence: missense variant. On other transcripts: intron variant (1).
Genome position (GRCh38, 1-based): chr16:3,254,439, G>C on the plus strand (C>G on the coding strand, the complement: MEFV is on the minus strand). VCF-style: chr16-3254439-G-C. GRCh37 (hg19) VCF-style: chr16-3304439-G-C.
Other names: c.277+1872C>G (NM_001198536.2); short protein forms A210G.
Identifiers: ClinVar variation 2161032 (VCV002161032.1), dbSNP rs1450752777, ClinGen allele CA394478921.
Genomic context (GRCh38, chr16:3,254,439, plus strand): 5'-TCGAAGGGCCTGCACTCCTTCTGCCCCGGGGCGCCCCCCGCCAGCCCCTGCAGCCTCCCC[G>C]CGGAGCTGGCGTTTCTGCGCAGCCGGACCTCGGCCTGGCCCCCCTCTAGCGCCCTGCAGG-3'
Protein context (NP_000234.1, residues 200-220): EVRLRRNASS[Ala210Gly]GRLQGLAGGA

ClinVar aggregate classification (germline): Uncertain significance (1 of 4 stars; one submission).

Conditions:
Familial Mediterranean fever (FMF). Also called: POLYSEROSITIS, FAMILIAL PAROXYSMAL; POLYSEROSITIS, RECURRENT; Periodic peritonitis; Benign paroxysmal peritonitis. Identifiers: Orphanet 342, MedGen C0031069, MONDO:0018088, OMIM 249100. Disease mechanism: gain of function.

Allele frequency attached by ClinVar (database versions not stated): gnomAD exomes below 0.00001.
gnomAD v4.1: 5 of 1,609,914 alleles (0.00031%); highest among the groups gnomAD compares: East Asian, 0.011%; no homozygotes.

Submission:

Labcorp Genetics (formerly Invitae), Labcorp
Classification: Uncertain significance for Familial Mediterranean fever. Last evaluated: 2022-08-22. Review status: criteria provided, single submitter. Criteria: Invitae Variant Classification Sherloc (09022015). Collection method: clinical testing. Allele origin: germline.
Comment: This sequence change replaces alanine, which is neutral and non-polar, with glycine, which is neutral and non-polar, at codon 210 of the MEFV protein (p.Ala210Gly). This variant is present in population databases (no rsID available, gnomAD 0.02%). This variant has not been reported in the literature in individuals affected with MEFV-related conditions. Algorithms developed to predict the effect of missense changes on protein structure and function are either unavailable or do not agree on the potential impact of this missense change (SIFT: "Tolerated"; PolyPhen-2: "Possibly Damaging"; Align-GVGD: "Class C0"). In summary, the available evidence is currently insufficient to determine the role of this variant in disease. Therefore, it has been classified as a Variant of Uncertain Significance.